The following is an entry in ClinVar:

ClinVar aggregate classification (germline): Uncertain significance. Review status: reviewed by expert panel (3 of 4 stars). 4 submissions from 4 submitters: Uncertain significance (1). 3 of the submissions do not count toward it. Last evaluated 2024-05-01.

Conditions:
Pulmonary arterial hypertension. Identifiers: Orphanet 182090, MedGen C2973725, MeSH D000081029, MONDO:0015924, HP:0002092.
Pulmonary hypertension, primary, 1 (PPH1). Also called: Pulmonary hypertension, familial primary, 1, with or without HHT. Identifiers: Orphanet 422, MedGen C4552070, MONDO:0024533, OMIM 178600.
Inborn genetic diseases. Identifiers: MedGen C0950123, MeSH D030342.
Primary pulmonary hypertension. Also called: Idiopathic pulmonary hypertension. Identifiers: MedGen C0152171.

Allele frequency attached by ClinVar (database versions not stated): ExAC 0.00006; 1000 Genomes Project 30x 0.00016; TOPMed 0.00003; gnomAD exomes 0.00005; 1000 Genomes Project 0.00020; gnomAD 0.00006.
gnomAD v4.1: 101 of 1,614,004 alleles (0.0063%); highest among the groups gnomAD compares: African/African-American, 0.032%; no homozygotes.

Submissions (4):

Clingen Pulmonary Hypertension Variant Curation Expert Panel, ClinGen
Classification: Uncertain significance for Pulmonary arterial hypertension. Last evaluated: 2024-05-01. Review status: reviewed by expert panel. Criteria: ClinGen PH ACMG Specifications BMPR2 V1.1.0. Collection method: curation. Allele origin: germline. Inheritance: Autosomal dominant inheritance.
Comment: The BMPR2 c.1607G>A variant is a missense variant predicted to cause an arginine to histidine substitution at amino acid position 536 (p.(Arg536His)). The highest population minor allele frequency in gnomAD v.2.1.1 controls is 0.031% in the African/African American population. Based on these frequency values, the thresholds for BA1 (>1%), BS1 (>=0.1% ) and PM2 (<0.01%) are not met, as defined by the ClinGen Pulmonary Hypertension VCEP (PH-VCEP). The REVEL score of 0.608 does not meet the threshold for BP4 (<=0.25) or PP3 (>= 0.75). Since the amino acid substitution does not occur in a well-established functional domain, PM1 was not met. Criteria not evaluated included PP1, PM6, and PS2 due to the absence of segregation evidence. The variant was reported in one patient with PAH in ClinVar, which was not sufficient to apply PS4 (>1 proband). Similarly, functional data is unavailable for this variant, so BS3 and PS3 were not evaluated. In summary, we cannot assign any criteria to this variant. It remains classified as a variant of uncertain significance (VUS) for pulmonary arterial hypertension based on the ACMG/AMP criteria applied, as specified by the ClinGen Pulmonary Hypertension VCEP (VCEP specification version 1.1, 1/18/2024).

Labcorp Genetics (formerly Invitae), Labcorp
Classification: Benign for Primary pulmonary hypertension. Last evaluated: 2026-01-19. Review status: criteria provided, single submitter. Criteria: Invitae Variant Classification Sherloc (09022015). Collection method: clinical testing. Allele origin: germline. Not counted in ClinVar's aggregate classification.

Ambry Genetics
Classification: Uncertain significance for Inborn genetic diseases. Last evaluated: 2024-10-02. Review status: criteria provided, single submitter. Criteria: Ambry Variant Classification Scheme 2023. Collection method: clinical testing. Allele origin: germline. Not counted in ClinVar's aggregate classification.
Comment: The p.R536H variant (also known as c.1607G>A), located in coding exon 12 of the BMPR2 gene, results from a G to A substitution at nucleotide position 1607. The arginine at codon 536 is replaced by histidine, an amino acid with highly similar properties. This amino acid position is conserved. In addition, this alteration is predicted to be deleterious by in silico analysis. Based on the available evidence, the clinical significance of this variant remains unclear.

Illumina Laboratory Services, Illumina
Classification: Likely benign for Pulmonary hypertension, primary, 1. Last evaluated: 2017-04-27. Review status: criteria provided, single submitter. Criteria: ICSL Variant Classification Criteria 13 December 2019. Collection method: clinical testing. Allele origin: germline. Not counted in ClinVar's aggregate classification.
Comment: This variant was observed as part of a predisposition screen in an ostensibly healthy population. A literature search was performed for the gene, cDNA change, and amino acid change (where applicable). No publications were found based on this search. Allele frequency data from public databases allowed determination this variant is unlikely to cause disease. Therefore, this variant is classified as likely benign.

NM_001204.7(BMPR2):c.1607G>A (p.Arg536His)

Gene: BMPR2 (bone morphogenetic protein receptor type 2; plus strand). Cytogenetic location: 2q33.2.
Variant type: single nucleotide variant.
Coding change: c.1607G>A on transcript NM_001204.7 (MANE Select); coding-DNA position 1607, G replaced by A.
Protein change: p.Arg536His; replaces arginine 536 with histidine.
Molecular consequence: missense variant.
Genome position (GRCh38, 1-based): chr2:202,555,272, G>A. VCF-style: chr2-202555272-G-A. GRCh37 (hg19) VCF-style: chr2-203419995-G-A.
Other names: NM_001204.7(BMPR2):c.1607G>A; p.Arg536His; short protein forms R536H.
Identifiers: ClinVar variation 898483 (VCV000898483.10), dbSNP rs201440272, ClinGen allele CA2061415.
Genomic context (GRCh38, chr2:202,555,272, plus strand): 5'-ATGTACGTTCTCAATGTGATACTTTTTTTCTTTCTTTAAGCAACCTGTCACATAATAGGC[G>A]TGTGCCAAAAATTGGTCCTTATCCAGATTATTCTTCCTCCTCATACATTGAAGACTCTAT-3'
Protein context (NP_001195.2, residues 526-546): QNERNLSHNR[Arg536His]VPKIGPYPDY